The following is an entry in ClinVar:

NM_017509.4(KLK15):c.481+5G>A

Gene: KLK15 (kallikrein related peptidase 15; minus strand). Cytogenetic location: 19q13.33.
Variant type: single nucleotide variant.
Coding change: c.481+5G>A on transcript NM_017509.4 (MANE Select); 5 bases into the intron after coding-DNA position 481, G replaced by A.
Molecular consequence: intron variant.
Genome position (GRCh38, 1-based): chr19:50,826,873, C>T on the plus strand (G>A on the coding strand, the complement: KLK15 is on the minus strand). VCF-style: chr19-50826873-C-T. GRCh37 (hg19) VCF-style: chr19-51330129-C-T.
Other names: NC_000019.9:g.51330129C>T; c.478+5G>A (NM_001277082.2, NM_001277081.2).
Identifiers: ClinVar variation 4443889 (VCV004443889.5).

ClinVar aggregate classification (germline): Benign (1 of 4 stars; one submission).

gnomAD v4.1: 29,957 of 1,558,560 alleles (1.9%); highest among the groups gnomAD compares: Non-Finnish European, 2.1%; 392 homozygotes.

Submissions (6):

CeGaT Center for Human Genetics Tuebingen
Classification: Benign. Last evaluated: 2026-01-01. Review status: criteria provided, single submitter. Criteria: CeGaT Center For Human Genetics Tuebingen Variant Classification Criteria Version 2. Collection method: clinical testing. Allele origin: germline. Affected: yes. Observed: 1 variant allele.
Comment: KLK15: BS1, BS2

Dr. Peter K. Rogan Lab, Western University
No classification provided (evidence only). Condition: Colon adenocarcinoma. Review status: no classification provided. Collection method: in vitro. Allele origin: not applicable. Functional consequence: retained intron. Not counted in ClinVar's aggregate classification.

Dr. Peter K. Rogan Lab, Western University
No classification provided (evidence only). Condition: Nonpapillary renal cell carcinoma. Review status: no classification provided. Collection method: in vitro. Allele origin: not applicable. Functional consequence: retained intron. Not counted in ClinVar's aggregate classification.

Dr. Peter K. Rogan Lab, Western University
No classification provided (evidence only). Condition: Nonpapillary renal cell carcinoma. Review status: no classification provided. Collection method: in vitro. Allele origin: not applicable. Functional consequence: retained intron. Not counted in ClinVar's aggregate classification.

Dr. Peter K. Rogan Lab, Western University
No classification provided (evidence only). Condition: Gastric cancer. Review status: no classification provided. Collection method: in vitro. Allele origin: not applicable. Functional consequence: retained intron. Not counted in ClinVar's aggregate classification.

Dr. Peter K. Rogan Lab, Western University
No classification provided (evidence only). Condition: Malignant tumor of esophagus. Review status: no classification provided. Collection method: in vitro. Allele origin: not applicable. Functional consequence: retained intron. Not counted in ClinVar's aggregate classification.